The following is an entry in ClinVar:

ClinVar aggregate classification (germline): Benign. Review status: criteria provided, multiple submitters, no conflicts (2 of 4 stars). 3 submissions from 3 submitters: Benign (3). Last evaluated 2026-09-01.

Allele frequency attached by ClinVar (database versions not stated): 1000 Genomes Project 0.00379; 1000 Genomes Project 30x 0.00422; ExAC 0.00626; gnomAD 0.00776 and 0.00810; TOPMed 0.00816; ESP Exome Variant Server 0.00907.
gnomAD v4.1: 13,337 of 1,612,352 alleles (0.83%); highest among the groups gnomAD compares: Middle Eastern, 1.5%; 66 homozygotes.

Submissions (3):

CeGaT Center for Human Genetics Tuebingen
Classification: Benign. Last evaluated: 2026-09-01. Review status: criteria provided, single submitter. Criteria: CeGaT Center For Human Genetics Tuebingen Variant Classification Criteria Version 2. Collection method: clinical testing. Allele origin: germline. Affected: yes. Observed: 33 variant alleles.
Comment: ARFGEF1: BP4, BP7, BS1, BS2

Labcorp Genetics (formerly Invitae), Labcorp
Classification: Benign. Last evaluated: 2019-12-31. Review status: criteria provided, single submitter. Criteria: Invitae Variant Classification Sherloc (09022015). Collection method: clinical testing. Allele origin: germline.

Breakthrough Genomics
Classification: Benign. Review status: criteria provided, single submitter. Criteria: ACMG Guidelines, 2015. Collection method: not provided. Allele origin: germline. Inheritance: Autosomal dominant inheritance. Affected: yes.

NM_006421.5(ARFGEF1):c.294A>C (p.Thr98=)

Gene: ARFGEF1 (ARF guanine nucleotide exchange factor 1; minus strand). Cytogenetic location: 8q13.2.
Variant type: single nucleotide variant.
Coding change: c.294A>C on transcript NM_006421.5 (MANE Select); coding-DNA position 294, A replaced by C.
Protein change: p.Thr98=; no amino-acid change (threonine 98 retained).
Molecular consequence: synonymous variant.
Genome position (GRCh38, 1-based): chr8:67,301,242, T>G on the plus strand (A>C on the coding strand, the complement: ARFGEF1 is on the minus strand). VCF-style: chr8-67301242-T-G. GRCh37 (hg19) VCF-style: chr8-68213477-T-G.
Identifiers: ClinVar variation 776353 (VCV000776353.29), dbSNP rs61753696, ClinGen allele CA4772516.
Genomic context (GRCh38, chr8:67,301,242, plus strand): 5'-TTCAAAGTACACAGTTTTTAGAAAGTGCCATTTTAGACATACCTGTAAGCAATCTAGAGA[T>G]GTACTAACTATGCGAGGACATTTGGACTGGCATGCCAACTCAAAAGGCAAGAAGTACTTG-3'
Protein context (NP_006412.2, residues 88-108): CQSKCPRIVS[Thr98=]SLDCLQKLIA